The following is an entry in ClinVar:

ClinVar aggregate classification (germline): Benign (0 of 4 stars; one submission).

Conditions:
OSMR-related disorder. Also called: OSMR-related condition.

Allele frequency attached by ClinVar (database versions not stated): ExAC 0.08374; TOPMed 0.09517; gnomAD 0.09578; 1000 Genomes Project 30x 0.09838; ESP Exome Variant Server 0.09849; 1000 Genomes Project 0.09904.
gnomAD v4.1: 125,031 of 1,613,524 alleles (7.7%); highest among the groups gnomAD compares: African/African-American, 14%; 5,554 homozygotes.

Submission:

PreventionGenetics, part of Exact Sciences
Classification: Benign for OSMR-related condition. Last evaluated: 2019-11-15. Review status: no assertion criteria provided. Collection method: clinical testing. Allele origin: germline.
Comment: This variant is classified as benign based on ACMG/AMP sequence variant interpretation guidelines (Richards et al. 2015 PMID: 25741868, with internal and published modifications).

NM_003999.3(OSMR):c.561T>G (p.His187Gln)

Gene: OSMR (oncostatin M receptor; plus strand). Cytogenetic location: 5p13.1.
Variant type: single nucleotide variant.
Coding change: c.561T>G on transcript NM_003999.3 (MANE Select); coding-DNA position 561, T replaced by G.
Protein change: p.His187Gln; replaces histidine 187 with glutamine.
Molecular consequence: missense variant.
Genome position (GRCh38, 1-based): chr5:38,883,969, T>G. VCF-style: chr5-38883969-T-G. GRCh37 (hg19) VCF-style: chr5-38884071-T-G.
Other names: c.561T>G, p.His187Gln (NM_001168355.3, NM_001323504.2, NM_001323505.2 and 2 more transcripts); short protein forms H187Q.
Identifiers: ClinVar variation 3038218 (VCV003038218.2), dbSNP rs34675408, ClinGen allele CA3243801.